The following is an entry in ClinVar:

ClinVar aggregate classification (germline): Pathogenic (1 of 4 stars; one submission).

Submission:

Labcorp Genetics (formerly Invitae), Labcorp
Classification: Pathogenic. Last evaluated: 2024-10-30. Review status: criteria provided, single submitter. Criteria: Invitae Variant Classification Sherloc (09022015). Collection method: clinical testing. Allele origin: germline.
Comment: This sequence change creates a premature translational stop signal (p.Thr85Asnfs*10) in the LEPR gene. It is expected to result in an absent or disrupted protein product. Loss-of-function variants in LEPR are known to be pathogenic (PMID: 23616257, 24319006, 25751111). This variant is not present in population databases (gnomAD no frequency). This variant has not been reported in the literature in individuals affected with LEPR-related conditions. ClinVar contains an entry for this variant (Variation ID: 2814341). For these reasons, this variant has been classified as Pathogenic.

Literature cited by the submitters: PubMed 23616257; PubMed 24319006; PubMed 25751111.

NM_002303.6(LEPR):c.253dup (p.Thr85fs)

Gene: LEPR (leptin receptor; plus strand). Cytogenetic location: 1p31.3.
Variant type: Duplication.
Coding change: c.253dup on transcript NM_002303.6 (MANE Select); coding-DNA position 253, one base duplicated (A; older notation c.253dupA).
Protein change: p.Thr85fs; shifts the reading frame from threonine 85.
Molecular consequence: frameshift variant.
Genome position (GRCh38, 1-based): chr1:65,570,685, A duplicated; the last of 4 consecutive A bases (chr1:65,570,682-65,570,685); duplicating any one gives the same sequence. VCF-style (leftmost placement, unchanged base first): chr1-65570681-C-CA. GRCh37 (hg19) VCF-style: chr1-66036364-C-CA.
Other names: c.253dup, p.Thr85fs (NM_001003679.3, NM_001003680.3, NM_001198687.2 and 2 more transcripts); short protein forms T85fs.
Identifiers: ClinVar variation 2814341 (VCV002814341.3), dbSNP rs2526436760, ClinGen allele CA2739272583.